The following is an entry in ClinVar:

ClinVar aggregate classification (germline): Uncertain significance (1 of 4 stars; one submission).

Conditions:
Aortic aneurysm, familial thoracic 7 (AAT7). Also called: AORTIC DISSECTION, FAMILIAL, WITH OR WITHOUT AORTIC ANEURYSM. Identifiers: MedGen C3151077, MONDO:0013418, OMIM 613780.

gnomAD v4.1: 1 of 1,614,050 alleles (0.000062%); highest among the groups gnomAD compares: Non-Finnish European, 0.000085%; no homozygotes.

Submission:

Labcorp Genetics (formerly Invitae), Labcorp
Classification: Uncertain significance for Aortic aneurysm, familial thoracic 7. Last evaluated: 2025-10-19. Review status: criteria provided, single submitter. Criteria: Invitae Variant Classification Sherloc (09022015). Collection method: clinical testing. Allele origin: germline.
Comment: This sequence change replaces alanine, which is neutral and non-polar, with threonine, which is neutral and polar, at codon 1220 of the MYLK protein (p.Ala1220Thr). This variant is not present in population databases (gnomAD no frequency). This variant has not been reported in the literature in individuals affected with MYLK-related conditions. Invitae Evidence Modeling of protein sequence and biophysical properties (such as structural, functional, and spatial information, amino acid conservation, physicochemical variation, residue mobility, and thermodynamic stability) indicates that this missense variant is not expected to disrupt MYLK protein function with a negative predictive value of 80%. In summary, the available evidence is currently insufficient to determine the role of this variant in disease. Therefore, it has been classified as a Variant of Uncertain Significance.

NM_053025.4(MYLK):c.3658G>A (p.Ala1220Thr)

Gene: MYLK (myosin light chain kinase; minus strand). Cytogenetic location: 3q21.1.
Variant type: single nucleotide variant.
Coding change: c.3658G>A on transcript NM_053025.4 (MANE Select); coding-DNA position 3658, G replaced by A.
Protein change: p.Ala1220Thr; replaces alanine 1220 with threonine.
Molecular consequence: missense variant.
Genome position (GRCh38, 1-based): chr3:123,667,182, C>T on the plus strand (G>A on the coding strand, the complement: MYLK is on the minus strand). VCF-style: chr3-123667182-C-T. GRCh37 (hg19) VCF-style: chr3-123386029-C-T.
Other names: c.3130G>A, p.Ala1044Thr (NM_001321309.2); c.3451G>A, p.Ala1151Thr (NM_053026.4, NM_053028.4); c.3658G>A, p.Ala1220Thr (NM_053027.4); short protein forms A1044T, A1151T, A1220T.
Identifiers: ClinVar variation 4747605 (VCV004747605.1).
Genomic context (GRCh38, chr3:123,667,182, plus strand): 5'-GCCGTGGCCAATTACCTGCCTTCGGAGGTGTCTTGGGGGCAGGTTTCTTTTTCACAGTCG[C>T]ATCACCTGAAACAAAGAAGTTCACAAGTTATTTCCTGTAGTTCTGTTTTTTTCACAAAGC-3'
Protein context (NP_444253.3, residues 1210-1230): LPPVLGTESD[Ala1220Thr]TVKKKPAPKT